The following is an entry in ClinVar:

NM_015102.5(NPHP4):c.3241G>C (p.Gly1081Arg)

Gene: NPHP4 (nephrocystin 4; minus strand). Cytogenetic location: 1p36.31.
Variant type: single nucleotide variant.
Coding change: c.3241G>C on transcript NM_015102.5 (MANE Select); coding-DNA position 3241, G replaced by C.
Protein change: p.Gly1081Arg; replaces glycine 1081 with arginine.
Molecular consequence: missense variant. On other transcripts: non-coding transcript variant (1).
Genome position (GRCh38, 1-based): chr1:5,873,326, C>G on the plus strand (G>C on the coding strand, the complement: NPHP4 is on the minus strand). VCF-style: chr1-5873326-C-G. GRCh37 (hg19) VCF-style: chr1-5933386-C-G.
Other names: c.1702G>C, p.Gly568Arg (NM_001291593.2); c.1705G>C, p.Gly569Arg (NM_001291594.2); short protein forms G1081R, G568R, G569R.
Identifiers: ClinVar variation 594455 (VCV000594455.15), dbSNP rs373981841, ClinGen allele CA553730.

ClinVar aggregate classification (germline): Uncertain significance. Review status: criteria provided, multiple submitters, no conflicts (2 of 4 stars). 5 submissions from 5 submitters: Uncertain significance (5). Last evaluated 2024-04-24.

Conditions:
Nephronophthisis. Also called: Juvenile Nephronophthisis. Identifiers: Orphanet 655, MedGen C0687120, MONDO:0019005, HP:0000090.
Nephronophthisis 4 (NPHP4). Also called: NEPHRONOPHTHISIS 4, JUVENILE. Identifiers: Orphanet 655, MedGen C1847013, MONDO:0011752, OMIM 606966.
Senior-Loken syndrome 4 (SLSN4). Identifiers: Orphanet 3156, MedGen C1846979, MONDO:0011756, OMIM 606996.

Allele frequency attached by ClinVar (database versions not stated): gnomAD exomes 0.00001 and 0.00003; ExAC 0.00002; gnomAD 0.00002; TOPMed 0.00002; ESP Exome Variant Server 0.00008.
gnomAD v4.1: 45 of 1,613,732 alleles (0.0028%); highest among the groups gnomAD compares: Middle Eastern, 0.016%; no homozygotes.

Submissions (5):

Fulgent Genetics
Classification: Uncertain significance for Nephronophthisis 4; Senior-Loken syndrome 4. Last evaluated: 2024-04-24. Review status: criteria provided, single submitter. Criteria: ACMG Guidelines, 2015. Collection method: clinical testing. Allele origin: germline.

Labcorp Genetics (formerly Invitae), Labcorp
Classification: Uncertain significance for Nephronophthisis. Last evaluated: 2023-04-05. Review status: criteria provided, single submitter. Criteria: Invitae Variant Classification Sherloc (09022015). Collection method: clinical testing. Allele origin: germline.
Comment: In summary, the available evidence is currently insufficient to determine the role of this variant in disease. Therefore, it has been classified as a Variant of Uncertain Significance. Advanced modeling of protein sequence and biophysical properties (such as structural, functional, and spatial information, amino acid conservation, physicochemical variation, residue mobility, and thermodynamic stability) performed at Invitae indicates that this missense variant is not expected to disrupt NPHP4 protein function. ClinVar contains an entry for this variant (Variation ID: 594455). This variant has not been reported in the literature in individuals affected with NPHP4-related conditions. This variant is present in population databases (rs373981841, gnomAD 0.002%). This sequence change replaces glycine, which is neutral and non-polar, with arginine, which is basic and polar, at codon 1081 of the NPHP4 protein (p.Gly1081Arg).

Department of Pathology and Laboratory Medicine, Sinai Health System
Classification: Uncertain significance for Nephronophthisis 4; Senior-Loken syndrome 4. Last evaluated: 2021-08-20. Review status: criteria provided, single submitter. Criteria: ACMG Guidelines, 2015. Collection method: research. Allele origin: germline.

Blueprint Genetics
Classification: Uncertain significance. Last evaluated: 2020-11-18. Review status: criteria provided, single submitter. Criteria: ACMG Guidelines, 2015. Collection method: clinical testing. Allele origin: germline.

Eurofins Ntd Llc (ga)
Classification: Uncertain significance. Last evaluated: 2017-10-10. Review status: criteria provided, single submitter. Criteria: EGL Classification Definitions 2015. Collection method: clinical testing. Allele origin: germline. Observed: 1 variant allele, 1 heterozygote.